The following is an entry in ClinVar:

ClinVar aggregate classification (germline): Uncertain significance. Review status: criteria provided, multiple submitters, no conflicts (2 of 4 stars). 2 submissions from 2 submitters: Uncertain significance (2). Last evaluated 2025-08-08.

gnomAD v4.1: 1 of 1,550,388 alleles (0.000064%); highest among the groups gnomAD compares: Non-Finnish European, 0.000087%; no homozygotes.

Submissions (2):

Labcorp Genetics (formerly Invitae), Labcorp
Classification: Uncertain significance. Last evaluated: 2025-08-08. Review status: criteria provided, single submitter. Criteria: Invitae Variant Classification Sherloc (09022015). Collection method: clinical testing. Allele origin: germline.
Comment: This sequence change replaces serine, which is neutral and polar, with glycine, which is neutral and non-polar, at codon 3901 of the ZNF469 protein (p.Ser3901Gly). This variant is not present in population databases (gnomAD no frequency). This variant has not been reported in the literature in individuals affected with ZNF469-related conditions. ClinVar contains an entry for this variant (Variation ID: 3907236). An algorithm developed to predict the effect of missense changes on protein structure and function (PolyPhen-2) suggests that this variant is likely to be tolerated. In summary, the available evidence is currently insufficient to determine the role of this variant in disease. Therefore, it has been classified as a Variant of Uncertain Significance.

Women's Health and Genetics/Laboratory Corporation of America, LabCorp
Classification: Uncertain significance. Last evaluated: 2025-06-10. Review status: criteria provided, single submitter. Criteria: LabCorp Variant Classification Summary - May 2015. Collection method: clinical testing. Allele origin: germline.
Comment: Variant summary: ZNF469 c.11785A>G (p.Ser3929Gly) results in a non-conservative amino acid change in the encoded protein sequence. Algorithms developed to predict the effect of missense changes on protein structure and function are either unavailable or do not agree on the potential impact of this missense change. The variant was absent in 153710 control chromosomes. The available data on variant occurrences in the general population are insufficient to allow any conclusion about variant significance. To our knowledge, no occurrence of c.11785A>G in individuals affected with Brittle cornea syndrome 1 and no experimental evidence demonstrating its impact on protein function have been reported. No submitters have cited clinical-significance assessments for this variant to ClinVar. Based on the evidence outlined above, the variant was classified as uncertain significance.

NM_001367624.2(ZNF469):c.11785A>G (p.Ser3929Gly)

Gene: ZNF469 (zinc finger protein 469; plus strand). Cytogenetic location: 16q24.2.
Variant type: single nucleotide variant.
Coding change: c.11785A>G on transcript NM_001367624.2 (MANE Select); coding-DNA position 11785, A replaced by G.
Protein change: p.Ser3929Gly; replaces serine 3929 with glycine.
Molecular consequence: missense variant.
Genome position (GRCh38, 1-based): chr16:88,439,255, A>G. VCF-style: chr16-88439255-A-G. GRCh37 (hg19) VCF-style: chr16-88505663-A-G.
Other names: short protein forms S3929G.
Identifiers: ClinVar variation 3907236 (VCV003907236.2).